The following is an entry in ClinVar:

NM_001035.3(RYR2):c.4058A>G (p.His1353Arg)

Genes: RYR2 (ryanodine receptor 2; plus strand), LOC126806067 (BRD4-independent group 4 enhancer GRCh37_chr1:237753258-237754457; plus strand). Cytogenetic location: 1q43.
Variant type: single nucleotide variant.
Coding change: c.4058A>G on transcript NM_001035.3 (MANE Select); coding-DNA position 4058, A replaced by G.
Protein change: p.His1353Arg; replaces histidine 1353 with arginine.
Molecular consequence: missense variant.
Genome position (GRCh38, 1-based): chr1:237,590,890, A>G. VCF-style: chr1-237590890-A-G. GRCh37 (hg19) VCF-style: chr1-237754190-A-G.
Other names: short protein forms H1353R.
Identifiers: ClinVar variation 927060 (VCV000927060.5), dbSNP rs1675083076, ClinGen allele CA345397651.

ClinVar aggregate classification (germline): Uncertain significance (1 of 4 stars; one submission).

Conditions:
Cardiomyopathy (CMYO). Also called: Cardiomyopathies. Identifiers: Orphanet 167848, MedGen C0878544, MONDO:0004994, HP:0001638. Inheritance: Various modes of inheritance.

Allele frequency attached by ClinVar (database versions not stated): gnomAD exomes below 0.00001.
gnomAD v4.1: 2 of 1,613,830 alleles (0.00012%); highest among the groups gnomAD compares: South Asian, 0.0011%; no homozygotes.

Submission:

Color Diagnostics, LLC DBA Color Health
Classification: Uncertain significance for Cardiomyopathy. Last evaluated: 2023-12-05. Review status: criteria provided, single submitter. Criteria: ACMG Guidelines, 2015. Collection method: clinical testing. Allele origin: germline.
Comment: This missense variant replaces histidine with arginine at codon 1353 of the RYR2 protein. Computational prediction tools and conservation analyses are inconclusive regarding the impact of this variant on the protein function. Computational splicing tools suggest that this variant may not impact RNA splicing. To our knowledge, functional assays have not been performed for this variant nor has this variant been reported in individuals affected with cardiovascular disorders in the literature. This variant has not been identified in the general population by the Genome Aggregation Database (gnomAD). Available evidence is insufficient to determine the role of this variant in disease conclusively. Therefore, this variant is classified as a Variant of Uncertain Significance.